The following is an entry in ClinVar:

NM_001134831.2(AHI1):c.1983del (p.Trp662fs)

Gene: AHI1 (Abelson helper integration site 1; minus strand). Cytogenetic location: 6q23.3.
Variant type: Deletion.
Coding change: c.1983del on transcript NM_001134831.2 (MANE Select); coding-DNA position 1983, one base deleted (C; older notation c.1983delC).
Protein change: p.Trp662fs; shifts the reading frame from tryptophan 662.
Molecular consequence: frameshift variant.
Genome position (GRCh38, 1-based): chr6:135,438,428, G deleted on the plus strand (C on the coding strand, the reverse complement: AHI1 is on the minus strand); the first of 2 consecutive G bases (chr6:135,438,428-135,438,429); deleting either gives the same sequence. VCF-style (leftmost placement, unchanged base first): chr6-135438427-AG-A. GRCh37 (hg19) VCF-style: chr6-135759565-AG-A.
Other names: c.1983delC (NM_017651.4); c.1983del, p.Trp662fs (NM_001134830.2, NM_001134832.2, NM_001350503.2 and 2 more transcripts); short protein forms W662fs.
Identifiers: ClinVar variation 1075243 (VCV001075243.11), dbSNP rs1459452503, ClinGen allele CA570559438.

ClinVar aggregate classification (germline): Pathogenic. Review status: criteria provided, multiple submitters, no conflicts (2 of 4 stars). 3 submissions from 3 submitters: Pathogenic (3). Last evaluated 2025-10-28.

Conditions:
Joubert syndrome and related disorders. Identifiers: Orphanet 140874, MedGen C5679612, MONDO:0015369.
Joubert syndrome 3 (JBTS3). Also called: AHI1-related Ciliopathy. Identifiers: Orphanet 220493, MedGen C1837713, MONDO:0012078, OMIM 608629.
Joubert syndrome. Also called: JOUBERT-BOLTSHAUSER SYNDROME; Familial aplasia of the vermis. Identifiers: Orphanet 475, MedGen C5979921, MONDO:0018772.

Submissions (3):

Myriad Genetics, Inc.
Classification: Pathogenic for Joubert syndrome 3. Last evaluated: 2025-10-28. Review status: criteria provided, single submitter. Criteria: Myriad Autosomal Dominant, Autosomal Recessive and X-Linked Classification Criteria (2023). Collection method: clinical testing. Allele origin: unknown.
Comment: NM_001134831.1(AHI1):c.1983delC(W662Gfs*24) is a frameshift variant classified as pathogenic in the context of Joubert syndrome, AHI1-related. W662Gfs*24 has been observed in a case with relevant disease (PMID: 26729329). Relevant functional assessments of this variant are not available in the literature. W662Gfs*24 has been observed in referenced population frequency databases. In summary, NM_001134831.1(AHI1):c.1983delC(W662Gfs*24) is a frameshift variant in a gene where loss of function is a known mechanism of disease, is predicted to disrupt protein function, and has been observed more frequently in cases with the relevant disease than in healthy populations. Please note: this variant was assessed in the context of healthy population screening.

Labcorp Genetics (formerly Invitae), Labcorp
Classification: Pathogenic for Joubert syndrome. Last evaluated: 2024-03-04. Review status: criteria provided, single submitter. Criteria: Invitae Variant Classification Sherloc (09022015). Collection method: clinical testing. Allele origin: germline.
Comment: This sequence change creates a premature translational stop signal (p.Trp662Glyfs*24) in the AHI1 gene. It is expected to result in an absent or disrupted protein product. Loss-of-function variants in AHI1 are known to be pathogenic (PMID: 15322546, 16453322, 28442542, 29186038). This variant is present in population databases (no rsID available, gnomAD 0.003%). This premature translational stop signal has been observed in individual(s) with Meckel-Gruber or Joubert syndrome (PMID: 26729329). ClinVar contains an entry for this variant (Variation ID: 1075243). For these reasons, this variant has been classified as Pathogenic.

Women's Health and Genetics/Laboratory Corporation of America, LabCorp
Classification: Pathogenic for Joubert syndrome and related disorders. Last evaluated: 2023-05-15. Review status: criteria provided, single submitter. Criteria: LabCorp Variant Classification Summary - May 2015. Collection method: clinical testing. Allele origin: germline.
Comment: Variant summary: AHI1 c.1983delC (p.Trp662GlyfsX24) results in a premature termination codon, predicted to cause a truncation of the encoded protein or absence of the protein due to nonsense mediated decay, which are commonly known mechanisms for disease. Variants downstream of this position have been classified as pathogenic by our laboratory. The variant allele was found at a frequency of 1.1e-05 in 182382 control chromosomes. c.1983delC has been reported in the literature in individuals affected with Joubert Syndrome And Related Disorders (Watson_2016). These data indicate that the variant may be associated with disease. To our knowledge, no experimental evidence demonstrating an impact on protein function has been reported. The following publication have been ascertained in the context of this evaluation (PMID: 26729329). One clinical diagnostic laboratory has submitted clinical-significance assessments for this variant to ClinVar after 2014 and classified the variant as pathogenic. Based on the evidence outlined above, the variant was classified as pathogenic.

Literature cited by the submitters: PubMed 26729329 (cited by 3 submitters); PubMed 15322546 (cited by Labcorp Genetics (formerly Invitae), Labcorp); PubMed 16453322 (cited by Labcorp Genetics (formerly Invitae), Labcorp); PubMed 28442542 (cited by Labcorp Genetics (formerly Invitae), Labcorp); PubMed 29186038 (cited by Labcorp Genetics (formerly Invitae), Labcorp).